The following is an entry in ClinVar:

ClinVar aggregate classification (germline): Uncertain significance (1 of 4 stars; one submission).

Conditions:
Osteogenesis imperfecta type I (OI1). Also called: OI, TYPE I; OSTEOGENESIS IMPERFECTA TARDA; OSTEOGENESIS IMPERFECTA WITH BLUE SCLERAE; Osteogenesis imperfecta type 1; Lobstein's Disease; Lobstein disease. Identifiers: Orphanet 216796, Orphanet 666, MedGen C0023931, MONDO:0008146, OMIM 166200. Disease mechanism: loss of function.

Allele frequency attached by ClinVar (database versions not stated): gnomAD exomes below 0.00001.

Submission:

Labcorp Genetics (formerly Invitae), Labcorp
Classification: Uncertain significance for Osteogenesis imperfecta type I. Last evaluated: 2022-04-08. Review status: criteria provided, single submitter. Criteria: Invitae Variant Classification Sherloc (09022015). Collection method: clinical testing. Allele origin: germline.
Comment: This sequence change replaces glutamic acid, which is acidic and polar, with lysine, which is basic and polar, at codon 25 of the COL1A1 protein (p.Glu25Lys). This variant is not present in population databases (gnomAD no frequency). This variant has not been reported in the literature in individuals affected with COL1A1-related conditions. Advanced modeling of protein sequence and biophysical properties (such as structural, functional, and spatial information, amino acid conservation, physicochemical variation, residue mobility, and thermodynamic stability) performed at Invitae indicates that this missense variant is not expected to disrupt COL1A1 protein function. In summary, the available evidence is currently insufficient to determine the role of this variant in disease. Therefore, it has been classified as a Variant of Uncertain Significance.

NM_000088.4(COL1A1):c.73G>A (p.Glu25Lys)

Gene: COL1A1 (collagen type I alpha 1 chain; minus strand). Cytogenetic location: 17q21.33.
Variant type: single nucleotide variant.
Coding change: c.73G>A on transcript NM_000088.4 (MANE Select); coding-DNA position 73, G replaced by A.
Protein change: p.Glu25Lys; replaces glutamic acid 25 with lysine.
Molecular consequence: missense variant.
Genome position (GRCh38, 1-based): chr17:50,201,441, C>T on the plus strand (G>A on the coding strand, the complement: COL1A1 is on the minus strand). VCF-style: chr17-50201441-C-T. GRCh37 (hg19) VCF-style: chr17-48278802-C-T.
Other names: short protein forms E25K.
Identifiers: ClinVar variation 2181190 (VCV002181190.4), dbSNP rs2509266699, ClinGen allele CA400230233.